The following is an entry in ClinVar:

ClinVar aggregate classification (germline): Pathogenic (1 of 4 stars; one submission).

Conditions:
Neurofibromatosis, type 2 (SWNV). Also called: BILATERAL ACOUSTIC NEUROFIBROMATOSIS; SCHWANNOMATOSIS, VESTIBULAR; NF2-Related Schwannomatosis. Identifiers: Orphanet 637, MedGen C0027832, MONDO:0007039, OMIM 101000. Disease mechanism: loss of function.

Submission:

Labcorp Genetics (formerly Invitae), Labcorp
Classification: Pathogenic for Neurofibromatosis, type 2. Last evaluated: 2020-03-17. Review status: criteria provided, single submitter. Criteria: Invitae Variant Classification Sherloc (09022015). Collection method: clinical testing. Allele origin: germline.
Comment: A gross deletion of the genomic region encompassing the full coding sequence of the NF2 gene has been identified. The boundaries of this event are unknown as the deletion extends beyond the assayed region for this gene and therefore may encompass additional genes. Deletion of NF2 has been observed in many individuals affected with neurofibromatosis type 2 (PMID: 9817927, 10220142, 15645494). ClinVar contains an entry for this variant (Variation ID: 237611). Loss-of-function variants in NF2 are known to be pathogenic (PMID: 9643284, 16983642). For these reasons, this variant has been classified as Pathogenic.

Literature cited by the submitters: PubMed 9817927; PubMed 10220142; PubMed 15645494; PubMed 9643284; PubMed 16983642.

NC_000022.10:g.(?_29083885)_(30337586_?)del

Genes: CABP7 (calcium binding protein 7; plus strand), CCDC117 (coiled-coil domain containing 117; plus strand), UQCR10 (ubiquinol-cytochrome c reductase, complex III subunit X; plus strand), ZNRF3 (zinc and ring finger 3; plus strand), MTMR3 (myotubularin related protein 3; plus strand) and 19 more. Cytogenetic location: 22q12.1-12.2.
Variant type: Deletion.
Identifiers: ClinVar variation 1076222 (VCV001076222.1).